The following is an entry in ClinVar:

ClinVar aggregate classification (germline): Uncertain significance. Review status: criteria provided, multiple submitters, no conflicts (2 of 4 stars). 2 submissions from 2 submitters: Uncertain significance (2). Last evaluated 2024-03-09.

Conditions:
Hereditary cancer-predisposing syndrome. Also called: Hereditary Cancer Syndrome; Hereditary neoplastic syndrome; Neoplastic Syndromes, Hereditary; Tumor predisposition. Identifiers: Orphanet 140162, MedGen C0027672, MeSH D009386, MONDO:0015356.
Bloom syndrome (BLM). Also called: Bloom-Torre-Machacek syndrome. Identifiers: Orphanet 125, MedGen C0005859, MONDO:0008876, OMIM 210900.

Allele frequency attached by ClinVar (database versions not stated): gnomAD 0.00001; TOPMed 0.00001.
gnomAD v4.1: 3 of 1,614,050 alleles (0.00019%); highest among the groups gnomAD compares: African/African-American, 0.0027%; no homozygotes.

Submissions (2):

Labcorp Genetics (formerly Invitae), Labcorp
Classification: Uncertain significance for Bloom syndrome. Last evaluated: 2024-03-09. Review status: criteria provided, single submitter. Criteria: Invitae Variant Classification Sherloc (09022015). Collection method: clinical testing. Allele origin: germline.
Comment: This sequence change replaces glutamine, which is neutral and polar, with leucine, which is neutral and non-polar, at codon 402 of the BLM protein (p.Gln402Leu). This variant is not present in population databases (gnomAD no frequency). This variant has not been reported in the literature in individuals affected with BLM-related conditions. ClinVar contains an entry for this variant (Variation ID: 1748579). Advanced modeling of protein sequence and biophysical properties (such as structural, functional, and spatial information, amino acid conservation, physicochemical variation, residue mobility, and thermodynamic stability) performed at Invitae indicates that this missense variant is not expected to disrupt BLM protein function with a negative predictive value of 80%. In summary, the available evidence is currently insufficient to determine the role of this variant in disease. Therefore, it has been classified as a Variant of Uncertain Significance.

Ambry Genetics
Classification: Uncertain significance for Hereditary cancer-predisposing syndrome. Last evaluated: 2024-02-26. Review status: criteria provided, single submitter. Criteria: Ambry Variant Classification Scheme 2023. Collection method: clinical testing. Allele origin: germline.
Comment: The p.Q402L variant (also known as c.1205A>T), located in coding exon 5 of the BLM gene, results from an A to T substitution at nucleotide position 1205. The glutamine at codon 402 is replaced by leucine, an amino acid with dissimilar properties. This amino acid position is conserved. In addition, this alteration is predicted to be tolerated by in silico analysis. Since supporting evidence is limited at this time, the clinical significance of this alteration remains unclear.

NM_000057.4(BLM):c.1205A>T (p.Gln402Leu)

Gene: BLM (BLM RecQ like helicase; plus strand). Cytogenetic location: 15q26.1.
Variant type: single nucleotide variant.
Coding change: c.1205A>T on transcript NM_000057.4 (MANE Select); coding-DNA position 1205, A replaced by T.
Protein change: p.Gln402Leu; replaces glutamine 402 with leucine.
Molecular consequence: missense variant.
Genome position (GRCh38, 1-based): chr15:90,760,264, A>T. VCF-style: chr15-90760264-A-T. GRCh37 (hg19) VCF-style: chr15-91303494-A-T.
Other names: c.1205A>T, p.Gln402Leu (NM_001287246.2, NM_001287247.2); c.80A>T, p.Gln27Leu (NM_001287248.2); short protein forms Q27L, Q402L.
Identifiers: ClinVar variation 1748579 (VCV001748579.6), dbSNP rs1317810142, ClinGen allele CA393842546.